The following is an entry in ClinVar:

NM_006904.7(PRKDC):c.6487C>T (p.His2163Tyr)

Gene: PRKDC (protein kinase, DNA-activated, catalytic subunit; minus strand). Cytogenetic location: 8q11.21.
Variant type: single nucleotide variant.
Coding change: c.6487C>T on transcript NM_006904.7 (MANE Select); coding-DNA position 6487, C replaced by T.
Protein change: p.His2163Tyr; replaces histidine 2163 with tyrosine.
Molecular consequence: missense variant.
Genome position (GRCh38, 1-based): chr8:47,857,278, G>A on the plus strand (C>T on the coding strand, the complement: PRKDC is on the minus strand). VCF-style: chr8-47857278-G-A. GRCh37 (hg19) VCF-style: chr8-48769839-G-A.
Other names: c.6487C>T, p.His2163Tyr (NM_001081640.2); short protein forms H2163Y.
Identifiers: ClinVar variation 2773102 (VCV002773102.3), dbSNP rs1283593754, ClinGen allele CA371160230.

ClinVar aggregate classification (germline): Uncertain significance (1 of 4 stars; one submission).

Conditions:
Severe combined immunodeficiency due to DNA-PKcs deficiency. Also called: IMMUNODEFICIENCY 26 WITH NEUROLOGIC ABNORMALITIES; Immunodeficiency 26 with or without neurologic abnormalities. Identifiers: Orphanet 317425, MedGen C4014833, MONDO:0014423, OMIM 615966.

Allele frequency attached by ClinVar (database versions not stated): gnomAD exomes below 0.00001.
gnomAD v4.1: 1 of 1,612,546 alleles (0.000062%); highest among the groups gnomAD compares: Non-Finnish European, 0.000085%; no homozygotes.

Submission:

Labcorp Genetics (formerly Invitae), Labcorp
Classification: Uncertain significance for Severe combined immunodeficiency due to DNA-PKcs deficiency. Last evaluated: 2023-10-31. Review status: criteria provided, single submitter. Criteria: Invitae Variant Classification Sherloc (09022015). Collection method: clinical testing. Allele origin: germline.
Comment: This sequence change replaces histidine, which is basic and polar, with tyrosine, which is neutral and polar, at codon 2163 of the PRKDC protein (p.His2163Tyr). This variant is present in population databases (no rsID available, gnomAD 0.0009%). This variant has not been reported in the literature in individuals affected with PRKDC-related conditions. Advanced modeling of protein sequence and biophysical properties (such as structural, functional, and spatial information, amino acid conservation, physicochemical variation, residue mobility, and thermodynamic stability) performed at Invitae indicates that this missense variant is not expected to disrupt PRKDC protein function with a negative predictive value of 80%. In summary, the available evidence is currently insufficient to determine the role of this variant in disease. Therefore, it has been classified as a Variant of Uncertain Significance.